The following is an entry in ClinVar:

ClinVar aggregate classification (germline): Uncertain significance (1 of 4 stars; one submission).

Conditions:
Muscular dystrophy-dystroglycanopathy type B6 (MDDGB6). Also called: MUSCULAR DYSTROPHY, CONGENITAL, LARGE-RELATED; MUSCULAR DYSTROPHY, CONGENITAL, TYPE 1D; MUSCULAR DYSTROPHY-DYSTROGLYCANOPATHY (CONGENITAL WITH IMPAIRED INTELLECTUAL DEVELOPMENT), TYPE B, 6. Identifiers: MedGen C1837229, MONDO:0012138, OMIM 608840.

Allele frequency attached by ClinVar (database versions not stated): ExAC 0.00001; gnomAD exomes 0.00001 and 0.00002; gnomAD 0.00007; ESP Exome Variant Server 0.00008; TOPMed 0.00009.
gnomAD v4.1: 20 of 1,614,024 alleles (0.0012%); highest among the groups gnomAD compares: African/African-American, 0.025%; no homozygotes.

Submission:

Labcorp Genetics (formerly Invitae), Labcorp
Classification: Uncertain significance for Muscular dystrophy-dystroglycanopathy type B6. Last evaluated: 2022-09-01. Review status: criteria provided, single submitter. Criteria: Invitae Variant Classification Sherloc (09022015). Collection method: clinical testing. Allele origin: germline.
Comment: This sequence change replaces asparagine, which is neutral and polar, with threonine, which is neutral and polar, at codon 426 of the LARGE1 protein (p.Asn426Thr). This variant is present in population databases (rs369552267, gnomAD 0.01%). This variant has not been reported in the literature in individuals affected with LARGE1-related conditions. ClinVar contains an entry for this variant (Variation ID: 1358538). Algorithms developed to predict the effect of missense changes on protein structure and function (SIFT, PolyPhen-2, Align-GVGD) all suggest that this variant is likely to be tolerated. In summary, the available evidence is currently insufficient to determine the role of this variant in disease. Therefore, it has been classified as a Variant of Uncertain Significance.

NM_133642.5(LARGE1):c.1277A>C (p.Asn426Thr)

Gene: LARGE1 (LARGE xylosyl- and glucuronyltransferase 1; minus strand). Cytogenetic location: 22q12.3.
Variant type: single nucleotide variant.
Coding change: c.1277A>C on transcript NM_133642.5 (MANE Select); coding-DNA position 1277, A replaced by C.
Protein change: p.Asn426Thr; replaces asparagine 426 with threonine.
Molecular consequence: missense variant. On other transcripts: intron variant (2).
Genome position (GRCh38, 1-based): chr22:33,337,656, T>G on the plus strand (A>C on the coding strand, the complement: LARGE1 is on the minus strand). VCF-style: chr22-33337656-T-G. GRCh37 (hg19) VCF-style: chr22-33733642-T-G.
Other names: c.1277A>C, p.Asn426Thr (NM_001362949.2, NM_001362951.2, NM_001362953.2 and 6 more transcripts); c.674A>C, p.Asn225Thr (NM_001378630.1); c.1132-21408A>C (NM_001378629.1); c.529-21408A>C (NM_001378631.1); short protein forms N225T, N426T.
Identifiers: ClinVar variation 1358538 (VCV001358538.5), dbSNP rs369552267, ClinGen allele CA10202813.